The following is an entry in ClinVar:

NM_213599.3(ANO5):c.2179A>G (p.Ile727Val)

Gene: ANO5 (anoctamin 5; plus strand). Cytogenetic location: 11p14.3.
Variant type: single nucleotide variant.
Coding change: c.2179A>G on transcript NM_213599.3 (MANE Select); coding-DNA position 2179, A replaced by G.
Protein change: p.Ile727Val; replaces isoleucine 727 with valine.
Molecular consequence: missense variant.
Genome position (GRCh38, 1-based): chr11:22,272,933, A>G. VCF-style: chr11-22272933-A-G. GRCh37 (hg19) VCF-style: chr11-22294479-A-G.
Other names: c.2176A>G, p.Ile726Val (NM_001142649.2); short protein forms I726V, I727V.
Identifiers: ClinVar variation 1463982 (VCV001463982.6), dbSNP rs1053189991, ClinGen allele CA218775888.

ClinVar aggregate classification (germline): Uncertain significance (1 of 4 stars; one submission).

Conditions:
Gnathodiaphyseal dysplasia (GDD). Also called: GNATHODIAPHYSEAL SCLEROSIS; OSTEOGENESIS IMPERFECTA WITH UNUSUAL SKELETAL LESIONS. Identifiers: Orphanet 53697, MedGen C1833736, MONDO:0008151, OMIM 166260.
Autosomal recessive limb-girdle muscular dystrophy type 2L (LGMDR12). Also called: Limb-girdle muscular dystrophy, type 2L; MUSCULAR DYSTROPHY, LIMB-GIRDLE, AUTOSOMAL RECESSIVE 12; Limb-Girdle Muscular Dystrophy R12 Anoctamin-5-Related (LGMD-R12). Identifiers: Orphanet 206549, MedGen C1969785, MONDO:0012652, OMIM 611307.

Submission:

Labcorp Genetics (formerly Invitae), Labcorp
Classification: Uncertain significance for Autosomal recessive limb-girdle muscular dystrophy type 2L; Gnathodiaphyseal dysplasia. Last evaluated: 2022-11-22. Review status: criteria provided, single submitter. Criteria: Invitae Variant Classification Sherloc (09022015). Collection method: clinical testing. Allele origin: germline.
Comment: This variant has not been reported in the literature in individuals affected with ANO5-related conditions. In summary, the available evidence is currently insufficient to determine the role of this variant in disease. Therefore, it has been classified as a Variant of Uncertain Significance. Advanced modeling of protein sequence and biophysical properties (such as structural, functional, and spatial information, amino acid conservation, physicochemical variation, residue mobility, and thermodynamic stability) performed at Invitae indicates that this missense variant is expected to disrupt ANO5 protein function. ClinVar contains an entry for this variant (Variation ID: 1463982). This variant is not present in population databases (gnomAD no frequency). This sequence change replaces isoleucine, which is neutral and non-polar, with valine, which is neutral and non-polar, at codon 727 of the ANO5 protein (p.Ile727Val).